The following is an entry in ClinVar:

ClinVar aggregate classification (germline): Conflicting classifications of pathogenicity. Review status: criteria provided, conflicting classifications (1 of 4 stars). 3 submissions from 3 submitters: Uncertain significance (1); Likely benign (2). Last evaluated 2024-11-19.

Conditions:
Breast and/or ovarian cancer. Identifiers: MedGen CN221562.
Hereditary cancer-predisposing syndrome. Also called: Neoplastic Syndromes, Hereditary; Tumor predisposition; Hereditary Cancer Syndrome; Hereditary neoplastic syndrome. Identifiers: Orphanet 140162, MedGen C0027672, MeSH D009386, MONDO:0015356.
Ataxia-telangiectasia syndrome (AT). Also called: Ataxia telangiectasia (A-T); ATAXIA-TELANGIECTASIA, COMPLEMENTATION GROUP A; ATAXIA-TELANGIECTASIA, FRESNO VARIANT; Ataxia-telangiectasia; Ataxia-telangiectasia, complementation group E; LOUIS-BAR SYNDROME. Identifiers: Orphanet 100, MedGen C0004135, MONDO:0008840, OMIM 208900.

Allele frequency attached by ClinVar (database versions not stated): gnomAD 0.00001; TOPMed 0.00001.
gnomAD v4.1: 1 of 1,610,762 alleles (0.000062%); highest among the groups gnomAD compares: Non-Finnish European, 0.000085%; no homozygotes.

Submissions (3):

Labcorp Genetics (formerly Invitae), Labcorp
Classification: Likely benign for Ataxia-telangiectasia syndrome. Last evaluated: 2024-11-19. Review status: criteria provided, single submitter. Criteria: Invitae Variant Classification Sherloc (09022015). Collection method: clinical testing. Allele origin: germline.

CHEO Genetics Diagnostic Laboratory, Children's Hospital of Eastern Ontario
Classification: Likely benign for Breast and/or ovarian cancer. Last evaluated: 2021-06-03. Review status: criteria provided, single submitter. Criteria: ACMG Guidelines, 2015. Collection method: clinical testing. Allele origin: germline.

Color Diagnostics, LLC DBA Color Health
Classification: Uncertain significance for Hereditary cancer-predisposing syndrome. Last evaluated: 2020-12-03. Review status: criteria provided, single submitter. Criteria: ACMG Guidelines, 2015. Collection method: clinical testing. Allele origin: germline.
Comment: This variant causes a T to G nucleotide substitution at the -15 position of intron 50 of the ATM gene. Splice site prediction tools are inconclusive regarding the impact of this variant on RNA splicing. To our knowledge, this variant has not been reported in individuals affected with hereditary cancer in the literature. This variant has not been identified in the general population by the Genome Aggregation Database (gnomAD). The available evidence is insufficient to determine the role of this variant in disease conclusively. Therefore, this variant is classified as a Variant of Uncertain Significance.

NM_000051.4(ATM):c.7516-15T>G

Genes: C11orf65 (chromosome 11 open reading frame 65; minus strand), ATM (ATM serine/threonine kinase; plus strand). Cytogenetic location: 11q22.3.
Variant type: single nucleotide variant.
Coding change: c.7516-15T>G on transcript NM_000051.4 (MANE Select); 15 bases into the intron before coding-DNA position 7516, T replaced by G.
Molecular consequence: intron variant. On other transcripts: non-coding transcript variant (1).
Genome position (GRCh38, 1-based): chr11:108,331,429, T>G. VCF-style: chr11-108331429-T-G. GRCh37 (hg19) VCF-style: chr11-108202156-T-G.
Other names: c.641-22358A>C (NM_001330368.2); c.*38+3791A>C (NM_001351110.2); c.7516-15T>G (NM_001351834.2).
Identifiers: ClinVar variation 1171868 (VCV001171868.10), dbSNP rs1400642000, ClinGen allele CA671417522.